The following is an entry in ClinVar:

ClinVar aggregate classification (germline): Uncertain significance. Review status: criteria provided, multiple submitters, no conflicts (2 of 4 stars). 3 submissions from 3 submitters: Uncertain significance (3). Last evaluated 2024-08-20.

Conditions:
Charcot-Marie-Tooth disease axonal type 2C (HMSN2C). Also called: Charcot-Marie-Tooth Disease Type 2, TRPV4-Related (CMT2C); CHARCOT-MARIE-TOOTH DISEASE, AXONAL, AUTOSOMAL DOMINANT, TYPE 2C; Charcot-Marie-Tooth Neuropathy Type 2C. Identifiers: Orphanet 99937, MedGen C1853710, MONDO:0011633, OMIM 606071.

gnomAD v4.1: 6 of 1,614,022 alleles (0.00037%); highest among the groups gnomAD compares: Non-Finnish European, 0.00051%; no homozygotes.

Submissions (3):

Labcorp Genetics (formerly Invitae), Labcorp
Classification: Uncertain significance for Charcot-Marie-Tooth disease axonal type 2C. Last evaluated: 2024-08-20. Review status: criteria provided, single submitter. Criteria: Invitae Variant Classification Sherloc (09022015). Collection method: clinical testing. Allele origin: germline.
Comment: This sequence change replaces serine, which is neutral and polar, with cysteine, which is neutral and slightly polar, at codon 758 of the TRPV4 protein (p.Ser758Cys). This variant is not present in population databases (gnomAD no frequency). This variant has not been reported in the literature in individuals affected with TRPV4-related conditions. ClinVar contains an entry for this variant (Variation ID: 586843). Invitae Evidence Modeling of protein sequence and biophysical properties (such as structural, functional, and spatial information, amino acid conservation, physicochemical variation, residue mobility, and thermodynamic stability) indicates that this missense variant is not expected to disrupt TRPV4 protein function with a negative predictive value of 95%. In summary, the available evidence is currently insufficient to determine the role of this variant in disease. Therefore, it has been classified as a Variant of Uncertain Significance.

Greenwood Genetic Center Diagnostic Laboratories, Greenwood Genetic Center
Classification: Uncertain significance. Last evaluated: 2023-06-16. Review status: criteria provided, single submitter. Criteria: ACMG Guidelines, 2015. Collection method: clinical testing. Allele origin: germline. Affected: yes.
Comment: PM2

Athena Diagnostics
Classification: Uncertain significance. Last evaluated: 2017-09-08. Review status: criteria provided, single submitter. Criteria: Athena Diagnostics Criteria. Collection method: clinical testing. Allele origin: germline.

NM_021625.5(TRPV4):c.2273C>G (p.Ser758Cys)

Gene: TRPV4 (transient receptor potential cation channel subfamily V member 4; minus strand). Cytogenetic location: 12q24.11.
Variant type: single nucleotide variant.
Coding change: c.2273C>G on transcript NM_021625.5 (MANE Select); coding-DNA position 2273, C replaced by G.
Protein change: p.Ser758Cys; replaces serine 758 with cysteine.
Molecular consequence: missense variant.
Genome position (GRCh38, 1-based): chr12:109,786,773, G>C on the plus strand (C>G on the coding strand, the complement: TRPV4 is on the minus strand). VCF-style: chr12-109786773-G-C. GRCh37 (hg19) VCF-style: chr12-110224578-G-C.
Other names: c.2132C>G, p.Ser711Cys (NM_001177428.2); c.2171C>G, p.Ser724Cys (NM_001177431.2); c.1952C>G, p.Ser651Cys (NM_001177433.2); c.2093C>G, p.Ser698Cys (NM_147204.3); short protein forms S758C, S651C, S711C, S724C, S698C.
Identifiers: ClinVar variation 586843 (VCV000586843.11), dbSNP rs778014423, ClinGen allele CA386649410.